The following is an entry in ClinVar:

ClinVar aggregate classification (germline): Pathogenic (1 of 4 stars; one submission).

Submission:

Labcorp Genetics (formerly Invitae), Labcorp
Classification: Pathogenic. Last evaluated: 2023-06-10. Review status: criteria provided, single submitter. Criteria: Invitae Variant Classification Sherloc (09022015). Collection method: clinical testing. Allele origin: germline.
Comment: This variant disrupts a region of the NEUROG3 protein in which other variant(s) (p.Arg107Ser) have been determined to be pathogenic (PMID: 16855267, 25901096, 27533310, 31178402, 31805014). This suggests that this is a clinically significant region of the protein, and that variants that disrupt it are likely to be disease-causing. For these reasons, this variant has been classified as Pathogenic. This variant has not been reported in the literature in individuals affected with NEUROG3-related conditions. This variant is not present in population databases (gnomAD no frequency). This sequence change creates a premature translational stop signal (p.Arg107Profs*29) in the NEUROG3 gene. While this is not anticipated to result in nonsense mediated decay, it is expected to disrupt the last 108 amino acid(s) of the NEUROG3 protein.

Literature cited by the submitters: PubMed 16855267; PubMed 25901096; PubMed 27533310; PubMed 31178402; PubMed 31805014.

NM_020999.4(NEUROG3):c.320del (p.Arg107fs)

Gene: NEUROG3 (neurogenin 3; minus strand). Cytogenetic location: 10q22.1.
Variant type: Deletion.
Coding change: c.320del on transcript NM_020999.4 (MANE Select); coding-DNA position 320, one base deleted (G; older notation c.320delG).
Protein change: p.Arg107fs; shifts the reading frame from arginine 107.
Molecular consequence: frameshift variant.
Genome position (GRCh38, 1-based): chr10:69,572,724, C deleted on the plus strand (G on the coding strand, the reverse complement: NEUROG3 is on the minus strand). VCF-style (leftmost placement, unchanged base first): chr10-69572723-GC-G. GRCh37 (hg19) VCF-style: chr10-71332479-GC-G.
Other names: short protein forms R107fs.
Identifiers: ClinVar variation 2780410 (VCV002780410.3), dbSNP rs1444297448, ClinGen allele CA667908846.